The following is an entry in ClinVar:

ClinVar aggregate classification (germline): Conflicting classifications of pathogenicity. Review status: criteria provided, conflicting classifications (1 of 4 stars). 8 submissions from 8 submitters: Uncertain significance (2); Likely benign (6). Last evaluated 2026-08-01.

Conditions:
OTOF-related disorder. Also called: OTOF-related condition.
Inborn genetic diseases. Identifiers: MedGen C0950123, MeSH D030342.
Autosomal recessive nonsyndromic hearing loss 9. Also called: AUDITORY NEUROPATHY, AUTOSOMAL RECESSIVE, 1, TEMPERATURE-SENSITIVE; OTOF-Related Hearing Loss; Deafness, autosomal recessive 9; NEUROSENSORY NONSYNDROMIC RECESSIVE DEAFNESS 9. Identifiers: Orphanet 90636, MedGen C1832828, MONDO:0010986, OMIM 601071.

Allele frequency attached by ClinVar (database versions not stated): TOPMed 0.00006; gnomAD 0.00007 and 0.00017; gnomAD exomes 0.00033 and 0.00050; ExAC 0.00088; 1000 Genomes Project 30x 0.00094; 1000 Genomes Project 0.00100.
gnomAD v4.1: 512 of 1,608,732 alleles (0.032%); highest among the groups gnomAD compares: South Asian, 0.4%; 3 homozygotes.

Submissions (8):

CeGaT Center for Human Genetics Tuebingen
Classification: Likely benign. Last evaluated: 2026-08-01. Review status: criteria provided, single submitter. Criteria: CeGaT Center For Human Genetics Tuebingen Variant Classification Criteria Version 2. Collection method: clinical testing. Allele origin: germline. Affected: yes. Observed: 3 variant alleles.
Comment: OTOF: BS2

Labcorp Genetics (formerly Invitae), Labcorp
Classification: Likely benign. Last evaluated: 2026-01-24. Review status: criteria provided, single submitter. Criteria: Invitae Variant Classification Sherloc (09022015). Collection method: clinical testing. Allele origin: germline.

PreventionGenetics, part of Exact Sciences
Classification: Likely benign for OTOF-related condition. Last evaluated: 2024-12-03. Review status: criteria provided, single submitter. Criteria: ACMG Guidelines, 2015. Collection method: clinical testing. Allele origin: germline.
Comment: This variant is classified as likely benign based on ACMG/AMP sequence variant interpretation guidelines (Richards et al. 2015 PMID: 25741868, with internal and published modifications).

Blueprint Genetics
Classification: Likely benign. Last evaluated: 2024-11-12. Review status: criteria provided, single submitter. Criteria: ACMG Guidelines, 2015. Collection method: clinical testing. Allele origin: germline.

Ambry Genetics
Classification: Uncertain significance for Inborn genetic diseases. Last evaluated: 2022-02-10. Review status: criteria provided, single submitter. Criteria: Ambry Variant Classification Scheme 2023. Collection method: clinical testing. Allele origin: germline.

GeneDx
Classification: Likely benign. Last evaluated: 2021-01-06. Review status: criteria provided, single submitter. Criteria: GeneDx Variant Classification Process June 2021. Collection method: clinical testing. Allele origin: germline. Affected: yes.

Department of Pathology and Laboratory Medicine, Sinai Health System
Classification: Uncertain significance for Autosomal recessive nonsyndromic hearing loss 9. Last evaluated: 2020-06-09. Review status: criteria provided, single submitter. Criteria: ACMG Guidelines, 2015. Collection method: research. Allele origin: germline.

Laboratory for Molecular Medicine, Mass General Brigham Personalized Medicine
Classification: Likely benign. Last evaluated: 2015-02-04. Review status: criteria provided, single submitter. Criteria: LMM Criteria. Collection method: clinical testing. Allele origin: germline. Observed: 2 variant alleles.
Comment: p.Thr1720Met in exon 41 of OTOF: This variant is not expected to have clinical significance because it has been identified in 0.5% (50/10736) of South Asian ch romosomes by the Exome Aggregation Consortium (ExAC. org; dbSNP rs375712326)

NM_194248.3(OTOF):c.5159C>T (p.Thr1720Met)

Genes: OTOF (otoferlin; minus strand), LOC112840921 (BRD4-independent group 4 enhancer GRCh37_chr2:26685720-26686919; plus strand). Cytogenetic location: 2p23.3.
Variant type: single nucleotide variant.
Coding change: c.5159C>T on transcript NM_194248.3 (MANE Select); coding-DNA position 5159, C replaced by T.
Protein change: p.Thr1720Met; replaces threonine 1720 with methionine.
Molecular consequence: missense variant.
Genome position (GRCh38, 1-based): chr2:26,463,516, G>A on the plus strand (C>T on the coding strand, the complement: OTOF is on the minus strand). VCF-style: chr2-26463516-G-A. GRCh37 (hg19) VCF-style: chr2-26686384-G-A.
Other names: c.5159C>T, p.Thr1720Met (NM_001287489.2); c.2858C>T, p.Thr953Met (NM_004802.4, NM_194323.3); c.3089C>T, p.Thr1030Met (NM_194322.3); short protein forms T1720M, T1030M, T953M.
Identifiers: ClinVar variation 227757 (VCV000227757.56), dbSNP rs375712326, ClinGen allele CA1562916.